The following is an entry in ClinVar:

ClinVar aggregate classification (germline): Uncertain significance (1 of 4 stars; one submission).

Conditions:
Hereditary motor and sensory neuropathy, Okinawa type (HMSNO). Also called: HEREDITARY MOTOR AND SENSORY NEUROPATHY, PROXIMAL TYPE. Identifiers: Orphanet 90117, MedGen C1858338, MONDO:0011468, OMIM 604484.
Hereditary spastic paraplegia 57. Also called: Spastic paraplegia 57, autosomal recessive. Identifiers: Orphanet 431329, MedGen C3714897, MONDO:0014295, OMIM 615658.

Allele frequency attached by ClinVar (database versions not stated): gnomAD exomes below 0.00001.
gnomAD v4.1: 4 of 1,613,970 alleles (0.00025%); highest among the groups gnomAD compares: Non-Finnish European, 0.00034%; no homozygotes.

Submission:

Labcorp Genetics (formerly Invitae), Labcorp
Classification: Uncertain significance for Hereditary motor and sensory neuropathy, Okinawa type; Hereditary spastic paraplegia 57. Last evaluated: 2022-07-30. Review status: criteria provided, single submitter. Criteria: Invitae Variant Classification Sherloc (09022015). Collection method: clinical testing. Allele origin: germline.
Comment: In summary, the available evidence is currently insufficient to determine the role of this variant in disease. Therefore, it has been classified as a Variant of Uncertain Significance. Algorithms developed to predict the effect of missense changes on protein structure and function (SIFT, PolyPhen-2, Align-GVGD) all suggest that this variant is likely to be tolerated. This variant has not been reported in the literature in individuals affected with TFG-related conditions. This variant is not present in population databases (gnomAD no frequency). This sequence change replaces glutamine, which is neutral and polar, with proline, which is neutral and non-polar, at codon 278 of the TFG protein (p.Gln278Pro).

NM_006070.6(TFG):c.833A>C (p.Gln278Pro)

Gene: TFG (trafficking from ER to golgi regulator; plus strand). Cytogenetic location: 3q12.2.
Variant type: single nucleotide variant.
Coding change: c.833A>C on transcript NM_006070.6 (MANE Select); coding-DNA position 833, A replaced by C.
Protein change: p.Gln278Pro; replaces glutamine 278 with proline.
Molecular consequence: missense variant.
Genome position (GRCh38, 1-based): chr3:100,748,161, A>C. VCF-style: chr3-100748161-A-C. GRCh37 (hg19) VCF-style: chr3-100467005-A-C.
Other names: c.833A>C, p.Gln278Pro (NM_001007565.2, NM_001195478.2); c.821A>C, p.Gln274Pro (NM_001195479.2); short protein forms Q278P, Q274P.
Identifiers: ClinVar variation 2123224 (VCV002123224.4), dbSNP rs2472156702, ClinGen allele CA353852548.